The following is an entry in ClinVar:

NM_015346.4(ZFYVE26):c.5714C>G (p.Ala1905Gly)

Gene: ZFYVE26 (zinc finger FYVE-type containing 26; minus strand). Cytogenetic location: 14q24.1.
Variant type: single nucleotide variant.
Coding change: c.5714C>G on transcript NM_015346.4 (MANE Select); coding-DNA position 5714, C replaced by G.
Protein change: p.Ala1905Gly; replaces alanine 1905 with glycine.
Molecular consequence: missense variant.
Genome position (GRCh38, 1-based): chr14:67,767,780, G>C on the plus strand (C>G on the coding strand, the complement: ZFYVE26 is on the minus strand). VCF-style: chr14-67767780-G-C. GRCh37 (hg19) VCF-style: chr14-68234497-G-C.
Other names: p.Ala1905Gly; short protein forms A1905G.
Identifiers: ClinVar variation 458288 (VCV000458288.8), dbSNP rs117250367, ClinGen allele CA7239408.

ClinVar aggregate classification (germline): Uncertain significance. Review status: criteria provided, multiple submitters, no conflicts (2 of 4 stars). 4 submissions from 4 submitters: Uncertain significance (4). Last evaluated 2026-02-20.

Conditions:
Spastic paraplegia. Identifiers: MedGen C0037772, HP:0001258.

Allele frequency attached by ClinVar (database versions not stated): gnomAD exomes 0.00009 and 0.00019; ExAC 0.00010; TOPMed 0.00010; gnomAD 0.00012 and 0.00013; ESP Exome Variant Server 0.00015; 1000 Genomes Project 0.00040; 1000 Genomes Project 30x 0.00047.
gnomAD v4.1: 304 of 1,614,108 alleles (0.019%); highest among the groups gnomAD compares: Non-Finnish European, 0.024%; no homozygotes.

Submissions (4):

GeneDx
Classification: Uncertain significance. Last evaluated: 2026-02-20. Review status: criteria provided, single submitter. Criteria: GeneDx Variant Classification Process June 2021. Collection method: clinical testing. Allele origin: germline.
Comment: In silico analysis suggests that this missense variant does not alter protein structure/function; Has not been previously published as pathogenic or benign to our knowledge

Mayo Clinic Laboratories, Mayo Clinic
Classification: Uncertain significance. Last evaluated: 2024-06-24. Review status: criteria provided, single submitter. Criteria: ACMG Guidelines, 2015. Collection method: clinical testing. Allele origin: germline. Observed: 1 variant allele.
Comment: BP4, PM2

Blueprint Genetics
Classification: Uncertain significance. Last evaluated: 2024-06-14. Review status: criteria provided, single submitter. Criteria: ACMG Guidelines, 2015. Collection method: clinical testing. Allele origin: germline.

Labcorp Genetics (formerly Invitae), Labcorp
Classification: Uncertain significance for Spastic paraplegia. Last evaluated: 2022-05-29. Review status: criteria provided, single submitter. Criteria: Invitae Variant Classification Sherloc (09022015). Collection method: clinical testing. Allele origin: germline.
Comment: This sequence change replaces alanine, which is neutral and non-polar, with glycine, which is neutral and non-polar, at codon 1905 of the ZFYVE26 protein (p.Ala1905Gly). This variant is present in population databases (rs117250367, gnomAD 0.02%). This variant has not been reported in the literature in individuals affected with ZFYVE26-related conditions. ClinVar contains an entry for this variant (Variation ID: 458288). Algorithms developed to predict the effect of missense changes on protein structure and function (SIFT, PolyPhen-2, Align-GVGD) all suggest that this variant is likely to be tolerated. In summary, the available evidence is currently insufficient to determine the role of this variant in disease. Therefore, it has been classified as a Variant of Uncertain Significance.